The following is an entry in ClinVar:

NM_000257.4(MYH7):c.4439A>G (p.Glu1480Gly)

Genes: MHRT (myosin heavy chain associated RNA transcript; plus strand), MYH7 (myosin heavy chain 7; minus strand). Cytogenetic location: 14q11.2.
Variant type: single nucleotide variant.
Coding change: c.4439A>G on transcript NM_000257.4 (MANE Select); coding-DNA position 4439, A replaced by G.
Protein change: p.Glu1480Gly; replaces glutamic acid 1480 with glycine.
Molecular consequence: missense variant. On other transcripts: non-coding transcript variant (1).
Genome position (GRCh38, 1-based): chr14:23,417,233, T>C on the plus strand (A>G on the coding strand, the complement: MYH7 is on the minus strand). VCF-style: chr14-23417233-T-C. GRCh37 (hg19) VCF-style: chr14-23886442-T-C.
Other names: c.4439A>G, p.Glu1480Gly (NM_001407004.1); short protein forms E1480G.
Identifiers: ClinVar variation 5025167 (VCV005025167.1).
Genomic context (GRCh38, chr14:23,417,233, plus strand): 5'-CGCTTGAAGGTCTCCAGATGTTCCAGGGACTCCTCATAGGCGTTCTTGAGTTTGAAGAGC[T>C]CTGTGCTGAGGGAGCGAGCCTCCTTCTGCGAGGACTCCAGCTCCGACTGCGACTCCTCAT-3'
Protein context (NP_000248.2, residues 1470-1490): SQKEARSLST[Glu1480Gly]LFKLKNAYEE

ClinVar aggregate classification (germline): Uncertain significance (1 of 4 stars; one submission).

Conditions:
Cardiovascular phenotype. Identifiers: MedGen CN230736.

Submission:

Ambry Genetics
Classification: Uncertain significance for Cardiovascular phenotype. Last evaluated: 2026-07-11. Review status: criteria provided, single submitter. Criteria: Ambry Variant Classification Scheme 2023. Collection method: clinical testing. Allele origin: germline.
Comment: The p.E1480G variant (also known as c.4439A>G), located in coding exon 30 of the MYH7 gene, results from an A to G substitution at nucleotide position 4439. The glutamic acid at codon 1480 is replaced by glycine, an amino acid with similar properties. This amino acid position is conserved. In addition, this alteration is predicted to be deleterious by in silico analysis. Based on the available evidence, the clinical significance of this variant remains unclear.